The following is an entry in ClinVar:

ClinVar aggregate classification (germline): Uncertain significance (1 of 4 stars; one submission).

Submission:

GeneDx
Classification: Uncertain significance. Last evaluated: 2025-07-02. Review status: criteria provided, single submitter. Criteria: GeneDx Variant Classification Process June 2021. Collection method: clinical testing. Allele origin: germline.
Comment: Not observed at significant frequency in large population cohorts (gnomAD); In silico analysis suggests that this missense variant does not alter protein structure/function; Has not been previously published as pathogenic or benign to our knowledge

NM_001372044.2(SHANK3):c.4207C>T (p.Pro1403Ser)

Gene: SHANK3 (SH3 and multiple ankyrin repeat domains 3; plus strand). Cytogenetic location: 22q13.33.
Variant type: single nucleotide variant.
Coding change: c.4207C>T on transcript NM_001372044.2 (MANE Select); coding-DNA position 4207, C replaced by T.
Protein change: p.Pro1403Ser; replaces proline 1403 with serine.
Molecular consequence: missense variant.
Genome position (GRCh38, 1-based): chr22:50,721,815, C>T. VCF-style: chr22-50721815-C-T. GRCh37 (hg19) VCF-style: chr22-51160243-C-T.
Other names: c.3982C>T (NM_033517.1); short protein forms P1403S.
Identifiers: ClinVar variation 3776643 (VCV003776643.2).